The following is an entry in ClinVar:

ClinVar aggregate classification (germline): Likely benign (0 of 4 stars; one submission).

Conditions:
SEMA3D-related disorder. Also called: SEMA3D-related condition.

gnomAD v4.1: 2 of 1,614,078 alleles (0.00012%); highest among the groups gnomAD compares: Non-Finnish European, 0.00017%; no homozygotes.

Submission:

PreventionGenetics, part of Exact Sciences
Classification: Likely benign for SEMA3D-related condition. Last evaluated: 2021-11-08. Review status: no assertion criteria provided. Collection method: clinical testing. Allele origin: germline.
Comment: This variant is classified as likely benign based on ACMG/AMP sequence variant interpretation guidelines (Richards et al. 2015 PMID: 25741868, with internal and published modifications).

NM_001384900.1(SEMA3D):c.2151C>A (p.Ile717=)

Genes: SEMA3D (semaphorin 3D; minus strand), LOC126860094 (BRD4-independent group 4 enhancer GRCh37_chr7:84628763-84629962; plus strand). Cytogenetic location: 7q21.11.
Variant type: single nucleotide variant.
Coding change: c.2151C>A on transcript NM_001384900.1 (MANE Select); coding-DNA position 2151, C replaced by A.
Protein change: p.Ile717=; no amino-acid change (isoleucine 717 retained).
Molecular consequence: synonymous variant.
Genome position (GRCh38, 1-based): chr7:84,999,623, G>T on the plus strand (C>A on the coding strand, the complement: SEMA3D is on the minus strand). VCF-style: chr7-84999623-G-T. GRCh37 (hg19) VCF-style: chr7-84628939-G-T.
Other names: c.2151C>A, p.Ile717= (NM_001384901.1, NM_001384902.1, NM_001384903.1 and 1 more transcripts).
Identifiers: ClinVar variation 3029219 (VCV003029219.2), dbSNP rs1008716768, ClinGen allele CA162203034.